The following is an entry in ClinVar:

NM_000435.3(NOTCH3):c.4071C>T (p.Pro1357=)

Gene: NOTCH3 (notch receptor 3; minus strand). Cytogenetic location: 19p13.12.
Variant type: single nucleotide variant.
Coding change: c.4071C>T on transcript NM_000435.3 (MANE Select); coding-DNA position 4071, C replaced by T.
Protein change: p.Pro1357=; no amino-acid change (proline 1357 retained).
Molecular consequence: synonymous variant.
Genome position (GRCh38, 1-based): chr19:15,177,857, G>A on the plus strand (C>T on the coding strand, the complement: NOTCH3 is on the minus strand). VCF-style: chr19-15177857-G-A. GRCh37 (hg19) VCF-style: chr19-15288668-G-A.
Other names: p.Pro1357=.
Identifiers: ClinVar variation 328390 (VCV000328390.45), dbSNP rs542856470, ClinGen allele CA10652282.

ClinVar aggregate classification (germline): Conflicting classifications of pathogenicity. Review status: criteria provided, conflicting classifications (1 of 4 stars). 10 submissions from 10 submitters: Uncertain significance (1); Benign (1); Likely benign (5). 3 of the submissions do not count toward it. Last evaluated 2026-09-01.

Conditions:
Cerebral arteriopathy, autosomal dominant, with subcortical infarcts and leukoencephalopathy, type 1 (CADASIL1). Also called: CASIL; Cerebral arteriopathy with subcortical infarcts and leukoencephalopathy 1; CADASIL 1; DEMENTIA, HEREDITARY MULTIINFARCT TYPE. Identifiers: Orphanet 136, MedGen C4551768, MONDO:0000914, OMIM 125310.

Allele frequency attached by ClinVar (database versions not stated): 1000 Genomes Project 0.00020; 1000 Genomes Project 30x 0.00047; TOPMed 0.00092; gnomAD 0.00113 and 0.00118; gnomAD exomes 0.00200.
gnomAD v4.1: 2,277 of 1,221,888 alleles (0.19%); highest among the groups gnomAD compares: Non-Finnish European, 0.22%; 1 homozygote.

Submissions (10):

CeGaT Center for Human Genetics Tuebingen
Classification: Likely benign. Last evaluated: 2026-09-01. Review status: criteria provided, single submitter. Criteria: CeGaT Center For Human Genetics Tuebingen Variant Classification Criteria Version 2. Collection method: clinical testing. Allele origin: germline. Affected: yes. Observed: 9 variant alleles.
Comment: NOTCH3: BP4, BP7

Labcorp Genetics (formerly Invitae), Labcorp
Classification: Likely benign. Last evaluated: 2025-12-23. Review status: criteria provided, single submitter. Criteria: Invitae Variant Classification Sherloc (09022015). Collection method: clinical testing. Allele origin: germline.

Laboratory of Genetics, Children's Clinical University Hospital Latvia
Classification: Likely benign. Last evaluated: 2025-02-16. Review status: criteria provided, single submitter. Criteria: ACMG Guidelines, 2015. Collection method: clinical testing. Allele origin: germline. Affected: yes.

Blueprint Genetics
Classification: Likely benign. Last evaluated: 2024-11-28. Review status: criteria provided, single submitter. Criteria: ACMG Guidelines, 2015. Collection method: clinical testing. Allele origin: germline.

Mayo Clinic Laboratories, Mayo Clinic
Classification: Benign. Last evaluated: 2024-05-16. Review status: criteria provided, single submitter. Criteria: ACMG Guidelines, 2015. Collection method: clinical testing. Allele origin: germline. Observed: 6 variant alleles.
Comment: BS1, BS2, BP4, BP7

ARUP Laboratories, Molecular Genetics and Genomics, ARUP Laboratories
Classification: Likely benign. Last evaluated: 2024-01-24. Review status: criteria provided, single submitter. Criteria: ARUP Molecular Germline Variant Investigation Process 2024. Collection method: clinical testing. Allele origin: germline.

Illumina Laboratory Services, Illumina
Classification: Uncertain significance for Cerebral arteriopathy, autosomal dominant, with subcortical infarcts and leukoencephalopathy, type 1. Last evaluated: 2018-01-12. Review status: criteria provided, single submitter. Criteria: ICSL Variant Classification Criteria 13 December 2019. Collection method: clinical testing. Allele origin: germline.

Clinical Genetics DNA and cytogenetics Diagnostics Lab, Erasmus MC, Erasmus Medical Center
Classification: Likely benign. Review status: no assertion criteria provided. Collection method: clinical testing. Allele origin: germline. Affected: yes. Study: VKGL Data-share Consensus. Not counted in ClinVar's aggregate classification.

Genome Diagnostics Laboratory, Amsterdam University Medical Center
Classification: Likely benign. Review status: no assertion criteria provided. Collection method: clinical testing. Allele origin: germline. Affected: yes. Study: VKGL Data-share Consensus. Not counted in ClinVar's aggregate classification.

Laboratory of Diagnostic Genome Analysis, Leiden University Medical Center (LUMC)
Classification: Likely benign. Review status: no assertion criteria provided. Collection method: clinical testing. Allele origin: germline. Affected: yes. Study: VKGL Data-share Consensus. Not counted in ClinVar's aggregate classification.